The following is an entry in ClinVar:

NM_001271938.2(MEGF8):c.4516C>T (p.Arg1506Cys)

Gene: MEGF8 (multiple EGF like domains 8; plus strand). Cytogenetic location: 19q13.2.
Variant type: single nucleotide variant.
Coding change: c.4516C>T on transcript NM_001271938.2 (MANE Select); coding-DNA position 4516, C replaced by T.
Protein change: p.Arg1506Cys; replaces arginine 1506 with cysteine.
Molecular consequence: missense variant.
Genome position (GRCh38, 1-based): chr19:42,356,347, C>T. VCF-style: chr19-42356347-C-T. GRCh37 (hg19) VCF-style: chr19-42860499-C-T.
Other names: c.4315C>T, p.Arg1439Cys (NM_001410.3); short protein forms R1439C, R1506C.
Identifiers: ClinVar variation 1025048 (VCV001025048.7), dbSNP rs142361779, ClinGen allele CA9475306.
Genomic context (GRCh38, chr19:42,356,347, plus strand): 5'-CTTTGTCCTGACCCTAGCCTGATCCCCAATGTCCGCACCCACCCCTAGGACACTGCCAGC[C>T]GCTTCCTGCACCGCCTGGGCCACACCATGGTGGATGGACCCGATGCCACCTTGTGGATGT-3'
Protein context (NP_001258867.1, residues 1496-1516): DSRLSADTAS[Arg1506Cys]FLHRLGHTMV

ClinVar aggregate classification (germline): Uncertain significance. Review status: criteria provided, multiple submitters, no conflicts (2 of 4 stars). 2 submissions from 2 submitters: Uncertain significance (2). Last evaluated 2024-05-07.

Conditions:
MEGF8-related Carpenter syndrome. Also called: Carpenter syndrome 2. Identifiers: Orphanet 65759, MedGen C3554247, MONDO:0013998, OMIM 614976.

Allele frequency attached by ClinVar (database versions not stated): gnomAD 0.00005; gnomAD exomes 0.00005; ESP Exome Variant Server 0.00023; TOPMed 0.00004; ExAC 0.00006.
gnomAD v4.1: 36 of 1,612,398 alleles (0.0022%); highest among the groups gnomAD compares: Admixed American, 0.015%; no homozygotes.

Submissions (2):

GeneDx
Classification: Uncertain significance. Last evaluated: 2024-05-07. Review status: criteria provided, single submitter. Criteria: GeneDx Variant Classification Process June 2021. Collection method: clinical testing. Allele origin: germline.
Comment: Has not been previously published as pathogenic or benign to our knowledge; In silico analysis supports that this missense variant has a deleterious effect on protein structure/function

Labcorp Genetics (formerly Invitae), Labcorp
Classification: Uncertain significance for MEGF8-related Carpenter syndrome. Last evaluated: 2021-08-28. Review status: criteria provided, single submitter. Criteria: Invitae Variant Classification Sherloc (09022015). Collection method: clinical testing. Allele origin: germline.